The following is an entry in ClinVar:

NM_004239.4(TRIP11):c.3910C>A (p.Leu1304Ile)

Gene: TRIP11 (thyroid hormone receptor interactor 11; minus strand). Cytogenetic location: 14q32.12.
Variant type: single nucleotide variant.
Coding change: c.3910C>A on transcript NM_004239.4 (MANE Select); coding-DNA position 3910, C replaced by A.
Protein change: p.Leu1304Ile; replaces leucine 1304 with isoleucine.
Molecular consequence: missense variant.
Genome position (GRCh38, 1-based): chr14:92,004,066, G>T on the plus strand (C>A on the coding strand, the complement: TRIP11 is on the minus strand). VCF-style: chr14-92004066-G-T. GRCh37 (hg19) VCF-style: chr14-92470410-G-T.
Other names: c.3907C>A, p.Leu1303Ile (NM_001321851.1); short protein forms L1303I, L1304I.
Identifiers: ClinVar variation 1392125 (VCV001392125.6), dbSNP rs2140116435, ClinGen allele CA390651149.
Genomic context (GRCh38, chr14:92,004,066, plus strand): 5'-GAGTAAGCAATGATGCAGAAGACAGCTGGGGTGAAATAATATCAAGTTTTCCTAAAAGAA[G>T]ATCCTTGGTATTGCAAAGCTGCCCAATGCTGTGCTGAACTTGTGCTAATTCCTGCCCAAA-3'
Protein context (NP_004230.2, residues 1294-1314): SIGQLCNTKD[Leu1304Ile]LLGKLDIISP

ClinVar aggregate classification (germline): Uncertain significance (1 of 4 stars; one submission).

Conditions:
Achondrogenesis, type IA (ACG1A). Identifiers: Orphanet 932, Orphanet 93299, MedGen C0265273, MONDO:0008701, OMIM 200600.

Submission:

Labcorp Genetics (formerly Invitae), Labcorp
Classification: Uncertain significance for Achondrogenesis, type IA. Last evaluated: 2024-11-18. Review status: criteria provided, single submitter. Criteria: Invitae Variant Classification Sherloc (09022015). Collection method: clinical testing. Allele origin: germline.
Comment: This sequence change replaces leucine, which is neutral and non-polar, with isoleucine, which is neutral and non-polar, at codon 1304 of the TRIP11 protein (p.Leu1304Ile). This variant is not present in population databases (gnomAD no frequency). This variant has not been reported in the literature in individuals affected with TRIP11-related conditions. ClinVar contains an entry for this variant (Variation ID: 1392125). Invitae Evidence Modeling of protein sequence and biophysical properties (such as structural, functional, and spatial information, amino acid conservation, physicochemical variation, residue mobility, and thermodynamic stability) indicates that this missense variant is not expected to disrupt TRIP11 protein function with a negative predictive value of 80%. In summary, the available evidence is currently insufficient to determine the role of this variant in disease. Therefore, it has been classified as a Variant of Uncertain Significance.